The following is an entry in ClinVar:

ClinVar aggregate classification (germline): Likely pathogenic (1 of 4 stars; one submission).

Conditions:
Autosomal recessive osteopetrosis 1. Also called: ALBERS-SCHONBERG DISEASE, AUTOSOMAL RECESSIVE; TCIRG1-Related Autosomal Recessive Osteopetrosis; TCIRG1-Related Osteopetrosis. Identifiers: Orphanet 667, MedGen C1850127, MONDO:0009815, OMIM 259700.

Submission:

Natera, Inc.
Classification: Likely pathogenic for Infantile malignant osteopetrosis. Last evaluated: 2025-01-27. Review status: criteria provided, single submitter. Criteria: Natera Variant Classification Schema (03/2026). Collection method: clinical testing. Allele origin: germline.
Comment: The c.2415-1G>T variant in TCIRG1 is a canonical splice acceptor site variant predicted to affect pre-mRNA splicing, which may result in an abnormal transcript and altered protein product. This variant may result in a truncated or dysfunctional protein product. This variant is rare in the general population with a frequency below the threshold expected for the associated phenotype(s). This variant has been observed in one or more individuals affected with the associated recessive disease, as either homozygous or compound heterozygous with a second variant (PMID: 24108692). This variant has been identified in one or more affected individuals with a phenotype highly consistent with the associated gene (PMID: 24108692). Given the available evidence, this variant is classified as Likely Pathogenic.

Literature cited by the submitters: PubMed 24108692.

NM_006019.4(TCIRG1):c.2415-1G>T

Gene: TCIRG1 (T cell immune regulator 1, ATPase H+ transporting V0 subunit a3; plus strand). Cytogenetic location: 11q13.2.
Variant type: single nucleotide variant.
Coding change: c.2415-1G>T on transcript NM_006019.4 (MANE Select); the canonical splice acceptor site of the intron before coding-DNA position 2415, G replaced by T.
Molecular consequence: splice acceptor variant.
Genome position (GRCh38, 1-based): chr11:68,050,740, G>T. VCF-style: chr11-68050740-G-T. GRCh37 (hg19) VCF-style: chr11-67818207-G-T.
Other names: c.1521-1G>T (NM_001351059.2); c.1767-1G>T (NM_006053.4).
Identifiers: ClinVar variation 4062074 (VCV004062074.2).